The following is an entry in ClinVar:

ClinVar aggregate classification (germline): Uncertain significance. Review status: criteria provided, multiple submitters, no conflicts (2 of 4 stars). 3 submissions from 3 submitters: Uncertain significance (3). Last evaluated 2025-10-23.

Allele frequency attached by ClinVar (database versions not stated): gnomAD 0.00005; ESP Exome Variant Server 0.00008; TOPMed 0.00009.
gnomAD v4.1: 47 of 1,613,848 alleles (0.0029%); highest among the groups gnomAD compares: Admixed American, 0.0067%; no homozygotes.

Submissions (3):

Labcorp Genetics (formerly Invitae), Labcorp
Classification: Uncertain significance. Last evaluated: 2025-10-23. Review status: criteria provided, single submitter. Criteria: Invitae Variant Classification Sherloc (09022015). Collection method: clinical testing. Allele origin: germline.
Comment: This sequence change replaces arginine, which is basic and polar, with histidine, which is basic and polar, at codon 561 of the ACAN protein (p.Arg561His). This variant is present in population databases (rs376881991, gnomAD 0.01%). This variant has not been reported in the literature in individuals affected with ACAN-related conditions. ClinVar contains an entry for this variant (Variation ID: 2184974). Invitae Evidence Modeling of protein sequence and biophysical properties (such as structural, functional, and spatial information, amino acid conservation, physicochemical variation, residue mobility, and thermodynamic stability) indicates that this missense variant is not expected to disrupt ACAN protein function with a negative predictive value of 80%. In summary, the available evidence is currently insufficient to determine the role of this variant in disease. Therefore, it has been classified as a Variant of Uncertain Significance.

Blueprint Genetics
Classification: Uncertain significance. Last evaluated: 2024-07-29. Review status: criteria provided, single submitter. Criteria: ACMG Guidelines, 2015. Collection method: clinical testing. Allele origin: germline.

Women's Health and Genetics/Laboratory Corporation of America, LabCorp
Classification: Uncertain significance. Last evaluated: 2024-02-27. Review status: criteria provided, single submitter. Criteria: LabCorp Variant Classification Summary - May 2015. Collection method: clinical testing. Allele origin: germline.
Comment: Variant summary: ACAN c.1682G>A (p.Arg561His) results in a non-conservative amino acid change in the encoded protein sequence. Four of five in-silico tools predict a damaging effect of the variant on protein function. The variant allele was found at a frequency of 4.4e-05 in 249236 control chromosomes. To our knowledge, no occurrence of c.1682G>A in individuals affected with ACAN-Related Disorders and no experimental evidence demonstrating its impact on protein function have been reported. ClinVar contains an entry for this variant (Variation ID: 2184974). Based on the evidence outlined above, the variant was classified as uncertain significance.

NM_001369268.1(ACAN):c.1682G>A (p.Arg561His)

Gene: ACAN (aggrecan; plus strand). Cytogenetic location: 15q26.1.
Variant type: single nucleotide variant.
Coding change: c.1682G>A on transcript NM_001369268.1 (MANE Select); coding-DNA position 1682, G replaced by A.
Protein change: p.Arg561His; replaces arginine 561 with histidine.
Molecular consequence: missense variant.
Genome position (GRCh38, 1-based): chr15:88,847,988, G>A. VCF-style: chr15-88847988-G-A. GRCh37 (hg19) VCF-style: chr15-89391219-G-A.
Other names: c.1682G>A, p.Arg561His (NM_001135.4, NM_001411096.1, NM_001411097.1 and 1 more transcripts); short protein forms R561H.
Identifiers: ClinVar variation 2184974 (VCV002184974.7), dbSNP rs376881991, ClinGen allele CA7719637.